The following is an entry in ClinVar:

ClinVar aggregate classification (germline): Benign/Likely benign. Review status: criteria provided, multiple submitters, no conflicts (2 of 4 stars). 4 submissions from 4 submitters: Benign (1); Likely benign (3). Last evaluated 2025-01-28.

Conditions:
Hereditary cancer-predisposing syndrome. Also called: Hereditary Cancer Syndrome; Hereditary neoplastic syndrome; Neoplastic Syndromes, Hereditary; Tumor predisposition. Identifiers: Orphanet 140162, MedGen C0027672, MeSH D009386, MONDO:0015356.
Familial adenomatous polyposis 1 (FAP1). Also called: FAMILIAL ADENOMATOUS POLYPOSIS 1, ATTENUATED; POLYPOSIS, ADENOMATOUS INTESTINAL. Identifiers: MedGen C2713442, MONDO:0021056, OMIM 175100. Disease mechanism: loss of function.

Allele frequency attached by ClinVar (database versions not stated): gnomAD exomes below 0.00001.
gnomAD v4.1: 1 of 1,613,962 alleles (0.000062%); highest among the groups gnomAD compares: South Asian, 0.0011%; no homozygotes.

Submissions (4):

Labcorp Genetics (formerly Invitae), Labcorp
Classification: Likely benign for Familial adenomatous polyposis 1. Last evaluated: 2025-01-28. Review status: criteria provided, single submitter. Criteria: Invitae Variant Classification Sherloc (09022015). Collection method: clinical testing. Allele origin: germline.

Myriad Genetics, Inc.
Classification: Benign for Familial adenomatous polyposis 1. Last evaluated: 2024-03-04. Review status: criteria provided, single submitter. Criteria: Myriad Autosomal Dominant, Autosomal Recessive and X-Linked Classification Criteria (2023). Collection method: clinical testing. Allele origin: unknown.
Comment: This variant is considered benign. This variant is a silent/synonymous amino acid change and it is not expected to impact splicing.

Ambry Genetics
Classification: Likely benign for Hereditary cancer-predisposing syndrome. Last evaluated: 2023-08-26. Review status: criteria provided, single submitter. Criteria: Ambry Variant Classification Scheme 2023. Collection method: clinical testing. Allele origin: germline.

Color Diagnostics, LLC DBA Color Health
Classification: Likely benign for Hereditary cancer-predisposing syndrome. Last evaluated: 2018-12-03. Review status: criteria provided, single submitter. Criteria: ACMG Guidelines, 2015. Collection method: clinical testing. Allele origin: germline.

NM_000038.6(APC):c.1503T>C (p.Ala501=)

Gene: APC (APC regulator of Wnt signaling pathway; plus strand). Cytogenetic location: 5q22.2.
Variant type: single nucleotide variant.
Coding change: c.1503T>C on transcript NM_000038.6 (MANE Select); coding-DNA position 1503, T replaced by C.
Protein change: p.Ala501=; no amino-acid change (alanine 501 retained).
Molecular consequence: synonymous variant.
Genome position (GRCh38, 1-based): chr5:112,827,202, T>C. VCF-style: chr5-112827202-T-C. GRCh37 (hg19) VCF-style: chr5-112162899-T-C.
Other names: c.1503T>C, p.Ala501= (NM_001127510.3, NM_001354895.2); c.1449T>C, p.Ala483= (NM_001127511.3); c.1557T>C, p.Ala519= (NM_001354896.2); c.1533T>C, p.Ala511= (NM_001354897.2); c.1428T>C, p.Ala476= (NM_001354898.2); c.1419T>C, p.Ala473= (NM_001354899.2); c.1380T>C, p.Ala460= (NM_001354900.2); c.1326T>C, p.Ala442= (NM_001354901.2); and 5 more.
Identifiers: ClinVar variation 753000 (VCV000753000.12), dbSNP rs201664378, ClinGen allele CA124976004.